The following is an entry in ClinVar:

NM_000218.3(KCNQ1):c.605-18C>G

Gene: KCNQ1 (potassium voltage-gated channel subfamily Q member 1; plus strand). Cytogenetic location: 11p15.5.
Variant type: single nucleotide variant.
Coding change: c.605-18C>G on transcript NM_000218.3 (MANE Select); 18 bases into the intron before coding-DNA position 605, C replaced by G.
Molecular consequence: intron variant.
Genome position (GRCh38, 1-based): chr11:2,571,307, C>G. VCF-style: chr11-2571307-C-G. GRCh37 (hg19) VCF-style: chr11-2592537-C-G.
Other names: c.335-18C>G (NM_001406837.1); c.605-18C>G (NM_001406836.1); c.478-12128C>G (NM_001406838.1); c.224-18C>G (NM_181798.2).
Identifiers: ClinVar variation 391129 (VCV000391129.11), dbSNP rs192254843, ClinGen allele CA038982.

ClinVar aggregate classification (germline): Likely benign. Review status: criteria provided, multiple submitters, no conflicts (2 of 4 stars). 3 submissions from 3 submitters: Likely benign (3). Last evaluated 2025-09-08.

Conditions:
Long QT syndrome (LQTS). Identifiers: MedGen C0023976, MeSH D008133, MONDO:0002442. Disease mechanism: loss of function. Inheritance: Various modes of inheritance.

Allele frequency attached by ClinVar (database versions not stated): TOPMed 0.00002.
gnomAD v4.1: 31 of 1,608,848 alleles (0.0019%); highest among the groups gnomAD compares: African/African-American, 0.004%; no homozygotes.

Submissions (3):

Labcorp Genetics (formerly Invitae), Labcorp
Classification: Likely benign for Long QT syndrome. Last evaluated: 2025-09-08. Review status: criteria provided, single submitter. Criteria: Invitae Variant Classification Sherloc (09022015). Collection method: clinical testing. Allele origin: germline.

Blueprint Genetics
Classification: Likely benign. Last evaluated: 2024-10-18. Review status: criteria provided, single submitter. Criteria: ACMG Guidelines, 2015. Collection method: clinical testing. Allele origin: germline.

GeneDx
Classification: Likely benign. Last evaluated: 2016-11-22. Review status: criteria provided, single submitter. Criteria: GeneDx Variant Classification (06012015). Collection method: clinical testing. Allele origin: germline. Affected: yes.
Comment: This variant is considered likely benign or benign based on one or more of the following criteria: it is a conservative change, it occurs at a poorly conserved position in the protein, it is predicted to be benign by multiple in silico algorithms, and/or has population frequency not consistent with disease.